The following is an entry in ClinVar:

NM_013339.4(ALG6):c.26T>C (p.Val9Ala)

Gene: ALG6 (ALG6 alpha-1,3-glucosyltransferase; plus strand). Cytogenetic location: 1p31.3.
Variant type: single nucleotide variant.
Coding change: c.26T>C on transcript NM_013339.4 (MANE Select); coding-DNA position 26, T replaced by C.
Protein change: p.Val9Ala; replaces valine 9 with alanine.
Molecular consequence: missense variant.
Genome position (GRCh38, 1-based): chr1:63,371,003, T>C. VCF-style: chr1-63371003-T-C. GRCh37 (hg19) VCF-style: chr1-63836674-T-C.
Other names: short protein forms V9A.
Identifiers: ClinVar variation 1352826 (VCV001352826.5), dbSNP rs1456036206, ClinGen allele CA340636812.

ClinVar aggregate classification (germline): Uncertain significance (1 of 4 stars; one submission).

Conditions:
ALG6-congenital disorder of glycosylation 1C (CDG1C). Also called: CDG Ic; Congenital disorder of glycosylation, type Ic; CARBOHYDRATE-DEFICIENT GLYCOPROTEIN SYNDROME, TYPE I, WITH DEFICIENT GLYCOSYLATION OF DOLICHOL-LINKED OLIGOSACCHARIDE; CARBOHYDRATE-DEFICIENT GLYCOPROTEIN SYNDROME, TYPE V; Congenital disorder of glycosylation type 1C. Identifiers: Orphanet 79320, MedGen C2930997, MONDO:0011291, OMIM 603147.

Allele frequency attached by ClinVar (database versions not stated): gnomAD exomes below 0.00001; gnomAD 0.00001.
gnomAD v4.1: 5 of 1,610,126 alleles (0.00031%); highest among the groups gnomAD compares: South Asian, 0.0033%; no homozygotes.

Submission:

Labcorp Genetics (formerly Invitae), Labcorp
Classification: Uncertain significance for ALG6-congenital disorder of glycosylation 1C. Last evaluated: 2021-08-24. Review status: criteria provided, single submitter. Criteria: Invitae Variant Classification Sherloc (09022015). Collection method: clinical testing. Allele origin: germline.
Comment: This sequence change replaces valine with alanine at codon 9 of the ALG6 protein (p.Val9Ala). The valine residue is weakly conserved and there is a small physicochemical difference between valine and alanine. This variant is not present in population databases (ExAC no frequency). This variant has not been reported in the literature in individuals affected with ALG6-related conditions. Algorithms developed to predict the effect of missense changes on protein structure and function output the following: SIFT: "Tolerated"; PolyPhen-2: "Benign"; Align-GVGD: "Class C0". The alanine amino acid residue is found in multiple mammalian species, which suggests that this missense change does not adversely affect protein function. In summary, the available evidence is currently insufficient to determine the role of this variant in disease. Therefore, it has been classified as a Variant of Uncertain Significance.